The following is an entry in ClinVar:

ClinVar aggregate classification (germline): Uncertain significance. Review status: criteria provided, multiple submitters, no conflicts (2 of 4 stars). 5 submissions from 5 submitters: Uncertain significance (5). Last evaluated 2024-12-12.

Conditions:
Nephrotic syndrome, type 3 (NPHS3). Also called: NEPHROTIC SYNDROME, EARLY-ONSET, TYPE 3. Identifiers: Orphanet 656, MedGen C1853124, MONDO:0012546, OMIM 610725.

Allele frequency attached by ClinVar (database versions not stated): gnomAD 0.00005 and 0.00009; TOPMed 0.00001.
gnomAD v4.1: 135 of 1,613,682 alleles (0.0084%); highest among the groups gnomAD compares: South Asian, 0.12%; 2 homozygotes.

Submissions (5):

Labcorp Genetics (formerly Invitae), Labcorp
Classification: Uncertain significance. Last evaluated: 2024-12-12. Review status: criteria provided, single submitter. Criteria: Invitae Variant Classification Sherloc (09022015). Collection method: clinical testing. Allele origin: germline.
Comment: This sequence change replaces aspartic acid, which is acidic and polar, with asparagine, which is neutral and polar, at codon 212 of the PLCE1 protein (p.Asp212Asn). This variant is present in population databases (rs776583769, gnomAD 0.1%). This missense change has been observed in individual(s) with congenital nephrotic syndrome (PMID: 35497790). This variant is also known as Chr10:95791437; G>G/A. ClinVar contains an entry for this variant (Variation ID: 879274). An algorithm developed to predict the effect of missense changes on protein structure and function (PolyPhen-2) suggests that this variant¬†is likely to be tolerated. In summary, the available evidence is currently insufficient to determine the role of this variant in disease. Therefore, it has been classified as a Variant of Uncertain Significance.

Blueprint Genetics
Classification: Uncertain significance. Last evaluated: 2024-11-26. Review status: criteria provided, single submitter. Criteria: ACMG Guidelines, 2015. Collection method: clinical testing. Allele origin: germline.

Fulgent Genetics
Classification: Uncertain significance for Nephrotic syndrome, type 3. Last evaluated: 2022-03-26. Review status: criteria provided, single submitter. Criteria: ACMG Guidelines, 2015. Collection method: clinical testing. Allele origin: unknown.

GeneDx
Classification: Uncertain significance. Last evaluated: 2022-02-04. Review status: criteria provided, single submitter. Criteria: GeneDx Variant Classification Process June 2021. Collection method: clinical testing. Allele origin: germline. Affected: yes.
Comment: In silico analysis supports that this missense variant does not alter protein structure/function; Has not been previously published as pathogenic or benign to our knowledge

Illumina Laboratory Services, Illumina
Classification: Uncertain significance for Nephrotic syndrome, type 3. Last evaluated: 2018-01-13. Review status: criteria provided, single submitter. Criteria: ICSL Variant Classification Criteria 13 December 2019. Collection method: clinical testing. Allele origin: germline.

Literature cited by the submitters: PubMed 35497790 (cited by Labcorp Genetics (formerly Invitae), Labcorp).

NM_016341.4(PLCE1):c.634G>A (p.Asp212Asn)

Gene: PLCE1 (phospholipase C epsilon 1; plus strand). Cytogenetic location: 10q23.33.
Variant type: single nucleotide variant.
Coding change: c.634G>A on transcript NM_016341.4 (MANE Select); coding-DNA position 634, G replaced by A.
Protein change: p.Asp212Asn; replaces aspartic acid 212 with asparagine.
Molecular consequence: missense variant.
Genome position (GRCh38, 1-based): chr10:94,031,680, G>A. VCF-style: chr10-94031680-G-A. GRCh37 (hg19) VCF-style: chr10-95791437-G-A.
Other names: c.634G>A, p.Asp212Asn (NM_001288989.2); short protein forms D212N.
Identifiers: ClinVar variation 879274 (VCV000879274.9), dbSNP rs776583769, ClinGen allele CA5612155.
Genomic context (GRCh38, chr10:94,031,680, plus strand): 5'-GAAGTTGACAGAAGAATGTCAGACACTTTCTGTACCCTATCAGAAAACTTAATTTTAGAC[G>A]ATTGTGGAAATTGTGTACCACTACCTGGGGGTGAGGAGAAGCAAAAGAAAAACTATGTGG-3'
Protein context (NP_057425.3, residues 202-222): CTLSENLILD[Asp212Asn]CGNCVPLPGG